The following is an entry in ClinVar:

NM_005859.5(PURA):c.385C>T (p.Pro129Ser)

Genes: PURA (purine rich element binding protein A; plus strand), LOC129994826 (ATAC-STARR-seq lymphoblastoid active region 23260; plus strand). Cytogenetic location: 5q31.3.
Variant type: single nucleotide variant.
Coding change: c.385C>T on transcript NM_005859.5 (MANE Select); coding-DNA position 385, C replaced by T.
Protein change: p.Pro129Ser; replaces proline 129 with serine.
Molecular consequence: missense variant.
Genome position (GRCh38, 1-based): chr5:140,114,566, C>T. VCF-style: chr5-140114566-C-T. GRCh37 (hg19) VCF-style: chr5-139494151-C-T.
Other names: short protein forms P129S.
Identifiers: ClinVar variation 1006141 (VCV001006141.9), dbSNP rs1763045680, ClinGen allele CA361490651.

ClinVar aggregate classification (germline): Uncertain significance (1 of 4 stars; one submission).

Conditions:
PURA-related severe neonatal hypotonia-seizures-encephalopathy syndrome (NEDRIHF). Also called: NEURODEVELOPMENTAL DISORDER WITH NEONATAL RESPIRATORY INSUFFICIENCY, HYPOTONIA, AND FEEDING DIFFICULTIES; PURA-Related Neurodevelopmental Disorders. Identifiers: Orphanet 438213, Orphanet 438216, MedGen C4015357, MONDO:1060108, OMIM 616158, MONDO:0018580.

Submission:

Labcorp Genetics (formerly Invitae), Labcorp
Classification: Uncertain significance for PURA-related severe neonatal hypotonia-seizures-encephalopathy syndrome. Last evaluated: 2020-09-18. Review status: criteria provided, single submitter. Criteria: Invitae Variant Classification Sherloc (09022015). Collection method: clinical testing. Allele origin: germline.
Comment: In summary, the available evidence is currently insufficient to determine the role of this variant in disease. Therefore, it has been classified as a Variant of Uncertain Significance. Algorithms developed to predict the effect of missense changes on protein structure and function are either unavailable or do not agree on the potential impact of this missense change (SIFT: "Tolerated"; PolyPhen-2: "Possibly Damaging"; Align-GVGD: "Class C0"). This variant has not been reported in the literature in individuals with PURA-related conditions. This variant is not present in population databases (ExAC no frequency). This sequence change replaces proline with serine at codon 129 of the PURA protein (p.Pro129Ser). The proline residue is highly conserved and there is a moderate physicochemical difference between proline and serine.